The following is an entry in ClinVar:

NM_000090.4(COL3A1):c.1513C>G (p.Pro505Ala)

Gene: COL3A1 (collagen type III alpha 1 chain; plus strand). Cytogenetic location: 2q32.2.
Variant type: single nucleotide variant.
Coding change: c.1513C>G on transcript NM_000090.4 (MANE Select); coding-DNA position 1513, C replaced by G.
Protein change: p.Pro505Ala; replaces proline 505 with alanine.
Molecular consequence: missense variant.
Genome position (GRCh38, 1-based): chr2:188,995,695, C>G. VCF-style: chr2-188995695-C-G. GRCh37 (hg19) VCF-style: chr2-189860421-C-G.
Other names: short protein forms P505A.
Identifiers: ClinVar variation 923696 (VCV000923696.6), dbSNP rs776430998, ClinGen allele CA349852092.

ClinVar aggregate classification (germline): Uncertain significance. Review status: criteria provided, multiple submitters, no conflicts (2 of 4 stars). 2 submissions from 2 submitters: Uncertain significance (2). Last evaluated 2024-09-12.

Conditions:
Ehlers-Danlos syndrome, type 4 (EDSVASC). Also called: Ehlers-Danlos Syndrome Type IV; Ehlers-Danlos syndrome vascular type; Ehlers Danlos syndrome, ecchymotic type; Ehlers Danlos syndrome, arterial type; Ehlers Danlos syndrome, Sack-Barabas type. Identifiers: Orphanet 286, MedGen C0268338, MONDO:0017314, OMIM 130050.
Familial thoracic aortic aneurysm and aortic dissection (TAAD). Also called: Thoracic aortic aneurysms and dissections. Identifiers: Orphanet 91387, MedGen C4707243, MONDO:0019625.

Submissions (2):

Color Diagnostics, LLC DBA Color Health
Classification: Uncertain significance for Familial thoracic aortic aneurysm and aortic dissection. Last evaluated: 2024-09-12. Review status: criteria provided, single submitter. Criteria: ACMG Guidelines, 2015. Collection method: clinical testing. Allele origin: germline.
Comment: This missense variant replaces proline with alanine at codon 505 of the COL3A1 protein. Computational prediction suggests that this variant may not impact protein structure and function. To our knowledge, functional studies have not been reported for this variant. This variant has not been reported in individuals affected with COL3A1-related disorders in the literature. This variant has not been identified in the general population by the Genome Aggregation Database (gnomAD). The available evidence is insufficient to determine the role of this variant in disease conclusively. Therefore, this variant is classified as a Variant of Uncertain Significance.

Labcorp Genetics (formerly Invitae), Labcorp
Classification: Uncertain significance for Ehlers-Danlos syndrome, type 4. Last evaluated: 2024-07-02. Review status: criteria provided, single submitter. Criteria: Invitae Variant Classification Sherloc (09022015). Collection method: clinical testing. Allele origin: germline.
Comment: This sequence change replaces proline, which is neutral and non-polar, with alanine, which is neutral and non-polar, at codon 505 of the COL3A1 protein (p.Pro505Ala). This variant is not present in population databases (gnomAD no frequency). This variant has not been reported in the literature in individuals affected with COL3A1-related conditions. ClinVar contains an entry for this variant (Variation ID: 923696). Advanced modeling of protein sequence and biophysical properties (such as structural, functional, and spatial information, amino acid conservation, physicochemical variation, residue mobility, and thermodynamic stability) performed at Invitae indicates that this missense variant is not expected to disrupt COL3A1 protein function with a negative predictive value of 95%. In summary, the available evidence is currently insufficient to determine the role of this variant in disease. Therefore, it has been classified as a Variant of Uncertain Significance.